The following is an entry in ClinVar:

ClinVar aggregate classification (germline): Benign. Review status: criteria provided, multiple submitters, no conflicts (2 of 4 stars). 7 submissions from 7 submitters: Benign (7). Last evaluated 2026-02-03.

Conditions:
Aldosterone-producing adenoma with seizures and neurological abnormalities. Also called: Primary aldosteronism, seizures, and neurologic abnormalities. Identifiers: Orphanet 369929, MedGen C3809609, MONDO:0014200, OMIM 615474.

Allele frequency attached by ClinVar (database versions not stated): gnomAD exomes 0.00201 and 0.00531; ExAC 0.00623; gnomAD 0.01970 and 0.02106; ESP Exome Variant Server 0.02107; TOPMed 0.02159; 1000 Genomes Project 0.02316; 1000 Genomes Project 30x 0.02436.
gnomAD v4.1: 6,088 of 1,613,878 alleles (0.38%); highest among the groups gnomAD compares: African/African-American, 6.8%; 185 homozygotes.

Submissions (7):

Labcorp Genetics (formerly Invitae), Labcorp
Classification: Benign. Last evaluated: 2026-02-03. Review status: criteria provided, single submitter. Criteria: Invitae Variant Classification Sherloc (09022015). Collection method: clinical testing. Allele origin: germline.

KCCC/NGS Laboratory, Kuwait Cancer Control Center
Classification: Benign for Aldosterone-producing adenoma with seizures and neurological abnormalities. Last evaluated: 2023-07-07. Review status: criteria provided, single submitter. Criteria: ACMG Guidelines, 2015. Collection method: clinical testing. Allele origin: germline. Affected: yes.

Mayo Clinic Laboratories, Mayo Clinic
Classification: Benign. Last evaluated: 2023-05-18. Review status: criteria provided, single submitter. Criteria: ACMG Guidelines, 2015. Collection method: clinical testing. Allele origin: germline. Observed: 23 variant alleles.

Athena Diagnostics
Classification: Benign. Last evaluated: 2018-05-23. Review status: criteria provided, single submitter. Criteria: Athena Diagnostics Criteria. Collection method: clinical testing. Allele origin: germline.

GeneDx
Classification: Benign. Last evaluated: 2017-12-08. Review status: criteria provided, single submitter. Criteria: GeneDx Variant Classification (06012015). Collection method: clinical testing. Allele origin: germline. Affected: yes.
Comment: This variant is considered likely benign or benign based on one or more of the following criteria: it is a conservative change, it occurs at a poorly conserved position in the protein, it is predicted to be benign by multiple in silico algorithms, and/or has population frequency not consistent with disease.

Laboratory for Molecular Medicine, Mass General Brigham Personalized Medicine
Classification: Benign. Last evaluated: 2014-11-24. Review status: criteria provided, single submitter. Criteria: LMM Criteria. Collection method: clinical testing. Allele origin: germline. Observed: 11 variant alleles.
Comment: Val309Val in exon 7 of CACNA1D: This variant is not expected to have clinical si gnificance because it does not alter an amino acid residue and is not located wi thin the splice consensus sequence. It has been identified in 6.2% (272/4406) of African American chromosomes from a broad population by the NHLBI Exome Sequenc ing Project (dbSNP rs33970402).

Breakthrough Genomics
Classification: Benign. Review status: criteria provided, single submitter. Criteria: ACMG Guidelines, 2015. Collection method: not provided. Allele origin: germline. Inheritance: Autosomal recessive inheritance. Affected: yes.

NM_001128840.3(CACNA1D):c.927A>G (p.Val309=)

Gene: CACNA1D (calcium voltage-gated channel subunit alpha1 D; plus strand). Cytogenetic location: 3p21.1.
Variant type: single nucleotide variant.
Coding change: c.927A>G on transcript NM_001128840.3 (MANE Select); coding-DNA position 927, A replaced by G.
Protein change: p.Val309=; no amino-acid change (valine 309 retained).
Molecular consequence: synonymous variant.
Genome position (GRCh38, 1-based): chr3:53,666,346, A>G. VCF-style: chr3-53666346-A-G. GRCh37 (hg19) VCF-style: chr3-53700373-A-G.
Other names: p.Val309=; c.927A>G, p.Val309= (NM_000720.4, NM_001128839.3).
Identifiers: ClinVar variation 226480 (VCV000226480.16), dbSNP rs33970402, ClinGen allele CA2453795.
Genomic context (GRCh38, chr3:53,666,346, plus strand): 5'-GATTTCCTGATGTTTCTGTCCTGAGCGGTACAGCCTGTTTGCTCTGTTTGCAGATATCGT[A>G]GCTGAAGAGGACCCAGCTCCATGTGCGTTCTCAGGGAATGGACGCCAGTGTACTGCCAAT-3'
Protein context (NP_001122312.1, residues 299-319): KTCFFADSDI[Val309=]AEEDPAPCAF